The following is an entry in ClinVar:

ClinVar aggregate classification (germline): Uncertain significance (1 of 4 stars; one submission).

gnomAD v4.1: 3 of 1,613,640 alleles (0.00019%); highest among the groups gnomAD compares: Non-Finnish European, 0.00025%; no homozygotes.

Submission:

Labcorp Genetics (formerly Invitae), Labcorp
Classification: Uncertain significance. Last evaluated: 2024-03-08. Review status: criteria provided, single submitter. Criteria: Invitae Variant Classification Sherloc (09022015). Collection method: clinical testing. Allele origin: germline.
Comment: This sequence change replaces glutamic acid, which is acidic and polar, with lysine, which is basic and polar, at codon 873 of the ACTN1 protein (p.Glu873Lys). This variant is present in population databases (no rsID available, gnomAD 0.0009%). This variant has not been reported in the literature in individuals affected with ACTN1-related conditions. An algorithm developed to predict the effect of missense changes on protein structure and function (PolyPhen-2) suggests that this variant is likely to be disruptive. In summary, the available evidence is currently insufficient to determine the role of this variant in disease. Therefore, it has been classified as a Variant of Uncertain Significance.

NM_001130004.2(ACTN1):c.2617G>A (p.Glu873Lys)

Gene: ACTN1 (actinin alpha 1; minus strand). Cytogenetic location: 14q24.1.
Variant type: single nucleotide variant.
Coding change: c.2617G>A on transcript NM_001130004.2 (MANE Select); coding-DNA position 2617, G replaced by A.
Protein change: p.Glu873Lys; replaces glutamic acid 873 with lysine.
Molecular consequence: missense variant.
Genome position (GRCh38, 1-based): chr14:68,874,987, C>T on the plus strand (G>A on the coding strand, the complement: ACTN1 is on the minus strand). VCF-style: chr14-68874987-C-T. GRCh37 (hg19) VCF-style: chr14-69341704-C-T.
Other names: c.2551G>A, p.Glu851Lys (NM_001102.4); c.2536G>A, p.Glu846Lys (NM_001130005.2); c.2560G>A, p.Glu854Lys (NM_001411035.1); c.2356G>A, p.Glu786Lys (NM_001411036.1, NM_001424026.1); c.2680G>A, p.Glu894Lys (NM_001424012.1); c.2677G>A, p.Glu893Lys (NM_001424013.1); c.2665G>A, p.Glu889Lys (NM_001424014.1); c.2638G>A, p.Glu880Lys (NM_001424015.1); and 14 more; short protein forms E763K, E846K, E854K, E790K, E812K, E828K, E838K, E850K.
Identifiers: ClinVar variation 3699461 (VCV003699461.2).